The following is an entry in ClinVar:

ClinVar aggregate classification (germline): Benign/Likely benign. Review status: criteria provided, multiple submitters, no conflicts (2 of 4 stars). 3 submissions from 3 submitters: Benign (1); Likely benign (1). 1 of the submissions does not count toward it. Last evaluated 2023-07-16.

Conditions:
Autosomal dominant Parkinson disease 8. Also called: Parkinson disease 8, susceptibility to; LRRK2-Related Parkinson Disease; Parkinson disease 8. Identifiers: Orphanet 411602, MedGen C1846862, MONDO:0011764, OMIM 607060.
LRRK2-related disorder. Also called: LRRK2-related condition.
Inborn genetic diseases. Identifiers: MedGen C0950123, MeSH D030342.

Allele frequency attached by ClinVar (database versions not stated): gnomAD 0.00001 and 0.00008; TOPMed 0.00002; ESP Exome Variant Server 0.00008; gnomAD exomes 0.00022; ExAC 0.00028; 1000 Genomes Project 30x 0.00156; 1000 Genomes Project 0.00200.
gnomAD v4.1: 182 of 1,611,326 alleles (0.011%); highest among the groups gnomAD compares: South Asian, 0.18%; 2 homozygotes.

Submissions (3):

Labcorp Genetics (formerly Invitae), Labcorp
Classification: Benign for Autosomal dominant Parkinson disease 8. Last evaluated: 2023-07-16. Review status: criteria provided, single submitter. Criteria: Invitae Variant Classification Sherloc (09022015). Collection method: clinical testing. Allele origin: germline.

Ambry Genetics
Classification: Likely benign for Inborn genetic diseases. Last evaluated: 2022-02-12. Review status: criteria provided, single submitter. Criteria: Ambry Variant Classification Scheme 2023. Collection method: clinical testing. Allele origin: germline.

PreventionGenetics, part of Exact Sciences
Classification: Likely benign for LRRK2-related condition. Last evaluated: 2019-05-28. Review status: no assertion criteria provided. Collection method: clinical testing. Allele origin: germline. Not counted in ClinVar's aggregate classification.
Comment: This variant is classified as likely benign based on ACMG/AMP sequence variant interpretation guidelines (Richards et al. 2015 PMID: 25741868, with internal and published modifications).

NM_198578.4(LRRK2):c.834A>G (p.Thr278=)

Gene: LRRK2 (leucine rich repeat kinase 2; plus strand). Cytogenetic location: 12q12.
Variant type: single nucleotide variant.
Coding change: c.834A>G on transcript NM_198578.4 (MANE Select); coding-DNA position 834, A replaced by G.
Protein change: p.Thr278=; no amino-acid change (threonine 278 retained).
Molecular consequence: synonymous variant.
Genome position (GRCh38, 1-based): chr12:40,243,677, A>G. VCF-style: chr12-40243677-A-G. GRCh37 (hg19) VCF-style: chr12-40637479-A-G.
Identifiers: ClinVar variation 1599852 (VCV001599852.12), dbSNP rs199626996, ClinGen allele CA6513198.
Genomic context (GRCh38, chr12:40,243,677, plus strand): 5'-AGCATTCCCTATGAGTGAAAGAATTCAAGAAGTGAGTTGCTGTTTGCTCCATAGGCTTAC[A>G]TTAGGTGAGTTTCTTAGTTAATATGTCATCACACACTGTATGATATACATATACATATAA-3'
Protein context (NP_940980.4, residues 268-288): EVSCCLLHRL[Thr278=]LGNFFNILVL